The following is an entry in ClinVar:

NM_001032386.2(SUOX):c.931G>A (p.Glu311Lys)

Gene: SUOX (sulfite oxidase; plus strand). Cytogenetic location: 12q13.2.
Variant type: single nucleotide variant.
Coding change: c.931G>A on transcript NM_001032386.2 (MANE Select); coding-DNA position 931, G replaced by A.
Protein change: p.Glu311Lys; replaces glutamic acid 311 with lysine.
Molecular consequence: missense variant.
Genome position (GRCh38, 1-based): chr12:56,004,320, G>A. VCF-style: chr12-56004320-G-A. GRCh37 (hg19) VCF-style: chr12-56398104-G-A.
Other names: c.931G>A, p.Glu311Lys (NM_000456.3, NM_001032387.2); short protein forms E311K.
Identifiers: ClinVar variation 576378 (VCV000576378.9), dbSNP rs778950352, ClinGen allele CA6621065.
Genomic context (GRCh38, chr12:56,004,320, plus strand): 5'-GCACGCTGGGCTGGGGCACGGCTCTGTGATGTGTTAGCCCAGGCTGGCCACCAACTCTGT[G>A]AAACTGAGGCCCACGTCTGCTTTGAGGGACTGGACTCAGACCCTACTGGGACTGCCTATG-3'
Protein context (NP_001027558.1, residues 301-321): VLAQAGHQLC[Glu311Lys]TEAHVCFEGL

ClinVar aggregate classification (germline): Uncertain significance (1 of 4 stars; one submission).

Conditions:
Sulfite oxidase deficiency. Also called: Isolated sulfite oxidase deficiency. Identifiers: Orphanet 833, Orphanet 99731, MedGen C0268624, MONDO:0010089, OMIM 272300, HP:0003643.

Allele frequency attached by ClinVar (database versions not stated): ExAC 0.00002; gnomAD exomes 0.00002 and 0.00004; TOPMed 0.00003; gnomAD 0.00005.
gnomAD v4.1: 61 of 1,614,034 alleles (0.0038%); highest among the groups gnomAD compares: Non-Finnish European, 0.0052%; no homozygotes.

Submission:

Labcorp Genetics (formerly Invitae), Labcorp
Classification: Uncertain significance for Sulfite oxidase deficiency. Last evaluated: 2022-08-09. Review status: criteria provided, single submitter. Criteria: Invitae Variant Classification Sherloc (09022015). Collection method: clinical testing. Allele origin: germline.
Comment: This sequence change replaces glutamic acid, which is acidic and polar, with lysine, which is basic and polar, at codon 311 of the SUOX protein (p.Glu311Lys). This variant is present in population databases (rs778950352, gnomAD 0.004%). This variant has not been reported in the literature in individuals affected with SUOX-related conditions. ClinVar contains an entry for this variant (Variation ID: 576378). Algorithms developed to predict the effect of missense changes on protein structure and function (SIFT, PolyPhen-2, Align-GVGD) all suggest that this variant is likely to be tolerated. In summary, the available evidence is currently insufficient to determine the role of this variant in disease. Therefore, it has been classified as a Variant of Uncertain Significance.